The following is an entry in ClinVar:

NM_006509.4(RELB):c.501C>T (p.Ile167=)

Gene: RELB (RELB proto-oncogene, NF-kB subunit; plus strand). Cytogenetic location: 19q13.32.
Variant type: single nucleotide variant.
Coding change: c.501C>T on transcript NM_006509.4 (MANE Select); coding-DNA position 501, C replaced by T.
Protein change: p.Ile167=; no amino-acid change (isoleucine 167 retained).
Molecular consequence: synonymous variant.
Genome position (GRCh38, 1-based): chr19:45,012,273, C>T. VCF-style: chr19-45012273-C-T. GRCh37 (hg19) VCF-style: chr19-45515531-C-T.
Identifiers: ClinVar variation 515052 (VCV000515052.1), dbSNP rs1555725655, ClinGen allele CA507799523.

ClinVar aggregate classification (germline): Likely benign (1 of 4 stars; one submission).

Allele frequency attached by ClinVar (database versions not stated): gnomAD exomes below 0.00001.
gnomAD v4.1: 3 of 1,402,056 alleles (0.00021%); highest among the groups gnomAD compares: Non-Finnish European, 0.00028%; no homozygotes.

Submission:

GeneDx
Classification: Likely benign. Last evaluated: 2018-01-26. Review status: criteria provided, single submitter. Criteria: GeneDx Variant Classification (06012015). Collection method: clinical testing. Allele origin: germline. Affected: yes.
Comment: This variant is considered likely benign or benign based on one or more of the following criteria: it is a conservative change, it occurs at a poorly conserved position in the protein, it is predicted to be benign by multiple in silico algorithms, and/or has population frequency not consistent with disease.